The following is an entry in ClinVar:

ClinVar aggregate classification (germline): Uncertain significance (1 of 4 stars; one submission).

gnomAD v4.1: 1 of 1,614,172 alleles (0.000062%); highest among the groups gnomAD compares: South Asian, 0.0011%; no homozygotes.

Submission:

Labcorp Genetics (formerly Invitae), Labcorp
Classification: Uncertain significance. Last evaluated: 2024-04-03. Review status: criteria provided, single submitter. Criteria: Invitae Variant Classification Sherloc (09022015). Collection method: clinical testing. Allele origin: germline.
Comment: This sequence change replaces alanine, which is neutral and non-polar, with threonine, which is neutral and polar, at codon 1720 of the LTBP2 protein (p.Ala1720Thr). This variant is present in population databases (rs770631509, gnomAD 0.003%). This variant has not been reported in the literature in individuals affected with LTBP2-related conditions. An algorithm developed to predict the effect of missense changes on protein structure and function (PolyPhen-2) suggests that this variant is likely to be disruptive. In summary, the available evidence is currently insufficient to determine the role of this variant in disease. Therefore, it has been classified as a Variant of Uncertain Significance.

NM_000428.3(LTBP2):c.5158G>A (p.Ala1720Thr)

Gene: LTBP2 (latent transforming growth factor beta binding protein 2; minus strand). Cytogenetic location: 14q24.3.
Variant type: single nucleotide variant.
Coding change: c.5158G>A on transcript NM_000428.3 (MANE Select); coding-DNA position 5158, G replaced by A.
Protein change: p.Ala1720Thr; replaces alanine 1720 with threonine.
Molecular consequence: missense variant.
Genome position (GRCh38, 1-based): chr14:74,502,665, C>T on the plus strand (G>A on the coding strand, the complement: LTBP2 is on the minus strand). VCF-style: chr14-74502665-C-T. GRCh37 (hg19) VCF-style: chr14-74969368-C-T.
Other names: short protein forms A1720T.
Identifiers: ClinVar variation 3712838 (VCV003712838.2).